The following is an entry in ClinVar:

NM_001351132.2(PEX5):c.920C>T (p.Pro307Leu)

Gene: PEX5 (peroxisomal biogenesis factor 5; plus strand). Cytogenetic location: 12p13.31.
Variant type: single nucleotide variant.
Coding change: c.920C>T on transcript NM_001351132.2 (MANE Select); coding-DNA position 920, C replaced by T.
Protein change: p.Pro307Leu; replaces proline 307 with leucine.
Molecular consequence: missense variant.
Genome position (GRCh38, 1-based): chr12:7,203,505, C>T. VCF-style: chr12-7203505-C-T. GRCh37 (hg19) VCF-style: chr12-7356101-C-T.
Other names: c.896C>T, p.Pro299Leu (NM_000319.5); c.965C>T, p.Pro322Leu (NM_001131023.2); c.809C>T, p.Pro270Leu (NM_001131024.2, NM_001351124.3, NM_001351126.2 and 7 more transcripts); c.920C>T, p.Pro307Leu (NM_001131025.2, NM_001131026.2, NM_001300789.3 and 5 more transcripts); c.854C>T, p.Pro285Leu (NM_001351135.3, NM_001351138.2); c.785C>T, p.Pro262Leu (NM_001351139.2, NM_001351140.2, NM_001374649.2); short protein forms P299L, P270L, P307L, P262L, P285L, P322L.
Identifiers: ClinVar variation 1469884 (VCV001469884.5), dbSNP rs1159586988, ClinGen allele CA383727029.

ClinVar aggregate classification (germline): Uncertain significance (1 of 4 stars; one submission).

Conditions:
Peroxisome biogenesis disorder 2B (PBD2B). Identifiers: Orphanet 44, MedGen C3550234, MONDO:0008736, OMIM 202370.

Allele frequency attached by ClinVar (database versions not stated): gnomAD exomes below 0.00001; gnomAD 0.00002; TOPMed 0.00002.
gnomAD v4.1: 6 of 1,613,810 alleles (0.00037%); highest among the groups gnomAD compares: African/African-American, 0.004%; no homozygotes.

Submission:

Labcorp Genetics (formerly Invitae), Labcorp
Classification: Uncertain significance for Peroxisome biogenesis disorder 2B. Last evaluated: 2021-08-28. Review status: criteria provided, single submitter. Criteria: Invitae Variant Classification Sherloc (09022015). Collection method: clinical testing. Allele origin: germline.
Comment: This sequence change replaces proline with leucine at codon 307 of the PEX5 protein (p.Pro307Leu). The proline residue is highly conserved and there is a moderate physicochemical difference between proline and leucine. This variant is not present in population databases (ExAC no frequency). This variant has not been reported in the literature in individuals affected with PEX5-related conditions. Algorithms developed to predict the effect of missense changes on protein structure and function are either unavailable or do not agree on the potential impact of this missense change (SIFT: "Deleterious"; PolyPhen-2: "Possibly Damaging"; Align-GVGD: "Class C0"). In summary, the available evidence is currently insufficient to determine the role of this variant in disease. Therefore, it has been classified as a Variant of Uncertain Significance.